The following is an entry in ClinVar:

NM_001048174.2(MUTYH):c.142G>T (p.Val48Leu)

Gene: MUTYH (mutY DNA glycosylase; minus strand). Cytogenetic location: 1p34.1.
Variant type: single nucleotide variant.
Coding change: c.142G>T on transcript NM_001048174.2 (MANE Select); coding-DNA position 142, G replaced by T.
Protein change: p.Val48Leu; replaces valine 48 with leucine.
Molecular consequence: missense variant. On other transcripts: 5 prime UTR variant (1), non-coding transcript variant (2), intron variant (3).
Genome position (GRCh38, 1-based): chr1:45,333,535, C>A on the plus strand (G>T on the coding strand, the complement: MUTYH is on the minus strand). VCF-style: chr1-45333535-C-A. GRCh37 (hg19) VCF-style: chr1-45799207-C-A.
Other names: c.142G>T (NM_001048174.1); c.142G>T, p.Val48Leu (NM_001048171.2, NM_001048173.2, NM_001293195.2); c.145G>T, p.Val49Leu (NM_001048172.2); c.226G>T, p.Val76Leu (NM_001128425.2); c.187G>T, p.Val63Leu (NM_001293190.2); c.175G>T, p.Val59Leu (NM_001293191.2); c.-130G>T (NM_001350650.2); c.217G>T, p.Val73Leu (NM_012222.3); and 2 more; short protein forms V76L, V59L, V48L, V49L, V63L, V73L.
Identifiers: ClinVar variation 481796 (VCV000481796.16), dbSNP rs1553130405, ClinGen allele CA340136612.

ClinVar aggregate classification (germline): Uncertain significance. Review status: criteria provided, multiple submitters, no conflicts (2 of 4 stars). 3 submissions from 3 submitters: Uncertain significance (3). Last evaluated 2025-11-04.

Conditions:
Hereditary cancer-predisposing syndrome. Also called: Hereditary neoplastic syndrome; Hereditary Cancer Syndrome; Neoplastic Syndromes, Hereditary; Tumor predisposition. Identifiers: Orphanet 140162, MedGen C0027672, MeSH D009386, MONDO:0015356.
Familial adenomatous polyposis 2. Also called: MYH-associated polyposis; COLORECTAL ADENOMATOUS POLYPOSIS, AUTOSOMAL RECESSIVE; ADENOMAS, MULTIPLE COLORECTAL, AUTOSOMAL RECESSIVE; MUTYH-related attenuated familial adenomatous polyposis; Adenomas, multiple colorectal; FAP type 2. Identifiers: Orphanet 220460, Orphanet 247798, MedGen C3272841, MONDO:0012041, OMIM 608456.

Allele frequency attached by ClinVar (database versions not stated): gnomAD exomes below 0.00001; TOPMed below 0.00001.
gnomAD v4.1: 1 of 1,614,084 alleles (0.000062%); highest among the groups gnomAD compares: Non-Finnish European, 0.000085%; no homozygotes.

Submissions (3):

Labcorp Genetics (formerly Invitae), Labcorp
Classification: Uncertain significance for Familial adenomatous polyposis 2. Last evaluated: 2025-11-04. Review status: criteria provided, single submitter. Criteria: Invitae Variant Classification Sherloc (09022015). Collection method: clinical testing. Allele origin: germline.
Comment: This sequence change replaces valine, which is neutral and non-polar, with leucine, which is neutral and non-polar, at codon 76 of the MUTYH protein (p.Val76Leu). This variant is not present in population databases (gnomAD no frequency). This variant has not been reported in the literature in individuals affected with MUTYH-related conditions. ClinVar contains an entry for this variant (Variation ID: 481796). An algorithm developed to predict the effect of missense changes on protein structure and function outputs the following: PolyPhen-2: "Benign". The leucine amino acid residue is found in multiple mammalian species, which suggests that this missense change does not adversely affect protein function. In summary, the available evidence is currently insufficient to determine the role of this variant in disease. Therefore, it has been classified as a Variant of Uncertain Significance.

Ambry Genetics
Classification: Uncertain significance for Hereditary cancer-predisposing syndrome. Last evaluated: 2023-11-22. Review status: criteria provided, single submitter. Criteria: Ambry Variant Classification Scheme 2023. Collection method: clinical testing. Allele origin: germline.
Comment: The p.V76L variant (also known as c.226G>T), located in coding exon 3 of the MUTYH gene, results from a G to T substitution at nucleotide position 226. The valine at codon 76 is replaced by leucine, an amino acid with highly similar properties. This amino acid position is not well conserved in available vertebrate species. In addition, this alteration is predicted to be tolerated by in silico analysis. Since supporting evidence is limited at this time, the clinical significance of this alteration remains unclear.

Institute for Clinical Genetics, University Hospital TU Dresden, University Hospital TU Dresden
Classification: Uncertain significance. Last evaluated: 2021-11-03. Review status: criteria provided, single submitter. Criteria: ACMG Guidelines, 2015. Collection method: clinical testing. Allele origin: germline.